The following is an entry in ClinVar:

ClinVar aggregate classification (germline): Uncertain significance (1 of 4 stars; one submission).

Conditions:
Telangiectasia, hereditary hemorrhagic, type 2 (HHT2). Also called: ACVRL1-Related Hereditary Hemorrhagic Telangiectasia; Telangiectasia, hereditary hemorrhagic, type II. Identifiers: Orphanet 774, MedGen C1838163, MONDO:0010880, OMIM 600376. Disease mechanism: loss of function.

Submission:

Broad Center for Mendelian Genomics, Broad Institute of MIT and Harvard
Classification: Uncertain significance for Telangiectasia, hereditary hemorrhagic, type 2. Last evaluated: 2026-08-12. Review status: criteria provided, single submitter. Criteria: ACMG Guidelines, 2015. Collection method: research. Allele origin: germline. Inheritance: Autosomal dominant inheritance. Study: GREGoR Consortium.
Comment: The c.1247-1161A>T variant in ACVRL1 has not been previously reported in the literature in individuals with hereditary hemorrhagic telangiectasia, and was absent from large population studies. Computational prediction tools and conservation analyses suggest that this variant may impact the protein, though this information is not predictive enough to determine pathogenicity. The phenotype of an individual heterozygous for this variant is highly specific for hereditary hemorrhagic telangiectasia based on specific phenotype features consistent with disease (PMID: 40225928). In summary, the clinical significance of the c.1247-1161A>T variant is uncertain. ACMG/AMP Criteria applied: PP4_moderate, PP3, PM2_supporting (Richards 2015).

NM_000020.3(ACVRL1):c.1247-1161A>T

Gene: ACVRL1 (activin A receptor like type 1; plus strand). Cytogenetic location: 12q13.13.
Variant type: single nucleotide variant.
Coding change: c.1247-1161A>T on transcript NM_000020.3 (MANE Select); 1161 bases into the intron before coding-DNA position 1247, A replaced by T.
Molecular consequence: intron variant.
Genome position (GRCh38, 1-based): chr12:51,917,824, A>T. VCF-style: chr12-51917824-A-T. GRCh37 (hg19) VCF-style: chr12-52311608-A-T.
Other names: NM_001077401.2:c.1247-1161A>T; c.1247-1161A>T (NM_001406487.1, NM_001406488.1, NM_001077401.2 and 1 more transcripts); c.935-1161A>T (NM_001406491.1, NM_001406492.1, NM_001406493.1); c.1090+126A>T (NM_001406490.1); c.737-1161A>T (NM_001406494.1); c.683-1161A>T (NM_001406495.1).
Identifiers: ClinVar variation 4974508 (VCV004974508.1).